The following is an entry in ClinVar:

ClinVar aggregate classification (germline): Uncertain significance. Review status: criteria provided, multiple submitters, no conflicts (2 of 4 stars). 7 submissions from 7 submitters: Uncertain significance (7). Last evaluated 2025-08-14.

Conditions:
Hereditary cancer-predisposing syndrome. Also called: Tumor predisposition; Neoplastic Syndromes, Hereditary; Hereditary Cancer Syndrome; Hereditary neoplastic syndrome. Identifiers: Orphanet 140162, MedGen C0027672, MeSH D009386, MONDO:0015356.
Melanoma, cutaneous malignant, susceptibility to, 1 (CMM1). Also called: B-K MOLE SYNDROME; DYSPLASTIC NEVUS SYNDROME, HEREDITARY; FAMILIAL ATYPICAL MOLE-MALIGNANT MELANOMA SYNDROME; MELANOMA, MALIGNANT. Identifiers: Orphanet 618, MedGen C1835047, MONDO:0007963, OMIM 155600.
Peutz-Jeghers syndrome (PJS). Also called: POLYPOSIS, HAMARTOMATOUS INTESTINAL; POLYPS-AND-SPOTS SYNDROME; Peutz-Jeghers polyposis; Periorificial lentiginosis syndrome. Identifiers: Orphanet 2869, MedGen C0031269, MeSH D010580, MONDO:0008280, OMIM 175200.

Submissions (7):

Ambry Genetics
Classification: Uncertain significance for Hereditary cancer-predisposing syndrome. Last evaluated: 2025-08-14. Review status: criteria provided, single submitter. Criteria: Ambry Variant Classification Scheme 2023. Collection method: clinical testing. Allele origin: germline.
Comment: The p.A43V variant (also known as c.128C>T), located in coding exon 1 of the STK11 gene, results from a C to T substitution at nucleotide position 128. The alanine at codon 43 is replaced by valine, an amino acid with similar properties. This amino acid position is highly conserved in available vertebrate species. In addition, the in silico prediction for this alteration is inconclusive. Since supporting evidence is limited at this time, the clinical significance of this alteration remains unclear.

Color Diagnostics, LLC DBA Color Health
Classification: Uncertain significance for Hereditary cancer-predisposing syndrome. Last evaluated: 2024-03-06. Review status: criteria provided, single submitter. Criteria: ACMG Guidelines, 2015. Collection method: clinical testing. Allele origin: germline.
Comment: This missense variant replaces alanine with valine at codon 43 of the STK11 protein. Computational prediction is inconclusive regarding the impact of this variant on protein structure and function (internally defined REVEL score threshold 0.5 < inconclusive < 0.7, PMID: 27666373). Splice site prediction tools suggest that this variant may not impact RNA splicing. To our knowledge, functional studies have not been performed for this variant. This variant has not been reported in individuals affected with hereditary cancer in the literature. This variant has not been identified in the general population by the Genome Aggregation Database (gnomAD). The available evidence is insufficient to determine the role of this variant in disease conclusively. Therefore, this variant is classified as a Variant of Uncertain Significance.

Department of Pathology and Laboratory Medicine, Sinai Health System
Classification: Uncertain significance for Peutz-Jeghers syndrome. Last evaluated: 2024-03-04. Review status: criteria provided, single submitter. Criteria: ACMG Guidelines, 2015. Collection method: clinical testing. Allele origin: germline. Affected: yes.

Labcorp Genetics (formerly Invitae), Labcorp
Classification: Uncertain significance for Peutz-Jeghers syndrome. Last evaluated: 2023-08-04. Review status: criteria provided, single submitter. Criteria: Invitae Variant Classification Sherloc (09022015). Collection method: clinical testing. Allele origin: germline.
Comment: This sequence change replaces alanine, which is neutral and non-polar, with valine, which is neutral and non-polar, at codon 43 of the STK11 protein (p.Ala43Val). Advanced modeling of protein sequence and biophysical properties (such as structural, functional, and spatial information, amino acid conservation, physicochemical variation, residue mobility, and thermodynamic stability) performed at Invitae indicates that this missense variant is not expected to disrupt STK11 protein function. This variant is not present in population databases (gnomAD no frequency). This variant has not been reported in the literature in individuals affected with STK11-related conditions. ClinVar contains an entry for this variant (Variation ID: 486522). In summary, the available evidence is currently insufficient to determine the role of this variant in disease. Therefore, it has been classified as a Variant of Uncertain Significance.

Baylor Genetics
Classification: Uncertain significance for Melanoma, cutaneous malignant, susceptibility to, 1. Last evaluated: 2023-06-30. Review status: criteria provided, single submitter. Criteria: ACMG Guidelines, 2015. Collection method: clinical testing. Allele origin: unknown.

All of Us Research Program, National Institutes of Health
Classification: Uncertain significance for Peutz-Jeghers syndrome. Last evaluated: 2023-03-28. Review status: criteria provided, single submitter. Criteria: ACMG Guidelines, 2015. Collection method: clinical testing. Allele origin: germline. Inheritance: Autosomal dominant inheritance. Observed: 1 variant allele, 1 heterozygote.
Comment: This missense variant replaces alanine with valine at codon 43 of the STK11 protein. Computational prediction is inconclusive regarding the impact of this variant on protein structure and function (internally defined REVEL score threshold 0.5 < inconclusive < 0.7, PMID: 27666373). Splice site prediction tools suggest that this variant may not impact RNA splicing. To our knowledge, functional studies have not been performed for this variant. This variant has not been reported in individuals affected with hereditary cancer in the literature. This variant has not been identified in the general population by the Genome Aggregation Database (gnomAD). The available evidence is insufficient to determine the role of this variant in disease conclusively. Therefore, this variant is classified as a Variant of Uncertain Significance.

This study involves interpretation of variants in research participants for the purpose of population health screening. Participant phenotype was not available at the time of variant classification. Additional details can be found in publication PMID: 35346344, PMCID: PMC8962531

Genome-Nilou Lab
Classification: Uncertain significance for Peutz-Jeghers syndrome. Last evaluated: 2021-07-15. Review status: criteria provided, single submitter. Criteria: ACMG Guidelines, 2015. Collection method: clinical testing. Allele origin: germline. Affected: no.

NM_000455.5(STK11):c.128C>T (p.Ala43Val)

Gene: STK11 (serine/threonine kinase 11; plus strand). Cytogenetic location: 19p13.3.
Variant type: single nucleotide variant.
Coding change: c.128C>T on transcript NM_000455.5 (MANE Select); coding-DNA position 128, C replaced by T.
Protein change: p.Ala43Val; replaces alanine 43 with valine.
Molecular consequence: missense variant.
Genome position (GRCh38, 1-based): chr19:1,207,041, C>T. VCF-style: chr19-1207041-C-T. GRCh37 (hg19) VCF-style: chr19-1207040-C-T.
Other names: short protein forms A43V.
Identifiers: ClinVar variation 486522 (VCV000486522.21), dbSNP rs1555734967, ClinGen allele CA402943991.
Genomic context (GRCh38, chr19:1,207,041, plus strand): 5'-ACACGTTCATCCACCGCATCGACTCCACCGAGGTCATCTACCAGCCGCGCCGCAAGCGGG[C>T]CAAGCTCATCGGCAAGTACCTGATGGGGGACCTGCTGGGGGAAGGCTCTTACGGCAAGGT-3'
Protein context (NP_000446.1, residues 33-53): EVIYQPRRKR[Ala43Val]KLIGKYLMGD